The following is an entry in ClinVar:

ClinVar aggregate classification (germline): Pathogenic (1 of 4 stars; one submission).

Conditions:
Hereditary spastic paraplegia 28. Also called: Spastic paraplegia 28, autosomal recessive. Identifiers: Orphanet 101008, MedGen C1836295, MONDO:0012256, OMIM 609340.

Submission:

Labcorp Genetics (formerly Invitae), Labcorp
Classification: Pathogenic for Hereditary spastic paraplegia 28. Last evaluated: 2025-02-13. Review status: criteria provided, single submitter. Criteria: Invitae Variant Classification Sherloc (09022015). Collection method: clinical testing. Allele origin: germline.
Comment: This sequence change creates a premature translational stop signal (p.Asn324Ilefs*10) in the DDHD1 gene. It is expected to result in an absent or disrupted protein product. Loss-of-function variants in DDHD1 are known to be pathogenic (PMID: 23176821, 24989667, 26944165, 27216551). This variant is not present in population databases (gnomAD no frequency). This variant has not been reported in the literature in individuals affected with DDHD1-related conditions. ClinVar contains an entry for this variant (Variation ID: 954039). For these reasons, this variant has been classified as Pathogenic.

Literature cited by the submitters: PubMed 23176821; PubMed 24989667; PubMed 26944165; PubMed 27216551.

NM_001160148.2(DDHD1):c.971del (p.Asn324fs)

Gene: DDHD1 (DDHD domain containing 1; minus strand). Cytogenetic location: 14q22.1.
Variant type: Deletion.
Coding change: c.971del on transcript NM_001160148.2 (MANE Select); coding-DNA position 971, one base deleted (A; older notation c.971delA).
Protein change: p.Asn324fs; shifts the reading frame from asparagine 324.
Molecular consequence: frameshift variant.
Genome position (GRCh38, 1-based): chr14:53,103,724, T deleted on the plus strand (A on the coding strand, the reverse complement: DDHD1 is on the minus strand); the first of 4 consecutive T bases (chr14:53,103,724-53,103,727); deleting any one gives the same sequence. VCF-style (leftmost placement, unchanged base first): chr14-53103723-AT-A. GRCh37 (hg19) VCF-style: chr14-53570441-AT-A.
Other names: c.971del, p.Asn324fs (NM_001160147.2, NM_030637.3); short protein forms N324fs.
Identifiers: ClinVar variation 954039 (VCV000954039.7), dbSNP rs1887484564, ClinGen allele CA912979655.